The following is an entry in ClinVar:

NM_025179.4(PLXNA2):c.136C>T (p.Arg46Cys)

Gene: PLXNA2 (plexin A2; minus strand). Cytogenetic location: 1q32.2.
Variant type: single nucleotide variant.
Coding change: c.136C>T on transcript NM_025179.4 (MANE Select); coding-DNA position 136, C replaced by T.
Protein change: p.Arg46Cys; replaces arginine 46 with cysteine.
Molecular consequence: missense variant.
Genome position (GRCh38, 1-based): chr1:208,217,787, G>A on the plus strand (C>T on the coding strand, the complement: PLXNA2 is on the minus strand). VCF-style: chr1-208217787-G-A. GRCh37 (hg19) VCF-style: chr1-208391132-G-A.
Other names: short protein forms R46C.
Identifiers: ClinVar variation 4984587 (VCV004984587.1).

ClinVar aggregate classification (germline): Uncertain significance (1 of 4 stars; one submission).

Conditions:
PLXNA2-related disorder. Also called: PLXNA2-related condition.

gnomAD v4.1: 21 of 1,614,050 alleles (0.0013%); highest among the groups gnomAD compares: Middle Eastern, 0.016%; no homozygotes.

Submission:

PreventionGenetics, part of Exact Sciences
Classification: Uncertain significance for PLXNA2-related condition. Last evaluated: 2025-05-08. Review status: criteria provided, single submitter. Criteria: ACMG Guidelines, 2015. Collection method: clinical testing. Allele origin: germline.
Comment: The PLXNA2 c.136C>T variant is predicted to result in the amino acid substitution p.Arg46Cys. To our knowledge, this variant has not been reported in the literature. This variant is reported in 0.0062% of alleles in individuals of African descent in gnomAD. At this time, the clinical significance of this variant is uncertain due to the absence of conclusive functional and genetic evidence.